The following is an entry in ClinVar:

ClinVar aggregate classification (germline): Uncertain significance (1 of 4 stars; one submission).

Conditions:
Fibrous dysplasia of jaw (CRBM). Also called: Cherubism. Identifiers: Orphanet 184, MedGen C0008029, MONDO:0007315, OMIM 118400.

Allele frequency attached by ClinVar (database versions not stated): TOPMed 0.00006; gnomAD 0.00007.
gnomAD v4.1: 15 of 1,604,768 alleles (0.00093%); highest among the groups gnomAD compares: Admixed American, 0.025%; no homozygotes.

Submission:

Labcorp Genetics (formerly Invitae), Labcorp
Classification: Uncertain significance for Fibrous dysplasia of jaw. Last evaluated: 2023-11-28. Review status: criteria provided, single submitter. Criteria: Invitae Variant Classification Sherloc (09022015). Collection method: clinical testing. Allele origin: germline.
Comment: This sequence change replaces proline, which is neutral and non-polar, with leucine, which is neutral and non-polar, at codon 403 of the SH3BP2 protein (p.Pro403Leu). This variant is present in population databases (no rsID available, gnomAD 0.009%). This variant has not been reported in the literature in individuals affected with SH3BP2-related conditions. Advanced modeling of protein sequence and biophysical properties (such as structural, functional, and spatial information, amino acid conservation, physicochemical variation, residue mobility, and thermodynamic stability) performed at Invitae indicates that this missense variant is not expected to disrupt SH3BP2 protein function with a negative predictive value of 95%. In summary, the available evidence is currently insufficient to determine the role of this variant in disease. Therefore, it has been classified as a Variant of Uncertain Significance.

NM_001122681.2(SH3BP2):c.1208C>T (p.Pro403Leu)

Gene: SH3BP2 (SH3 domain binding protein 2; plus strand). Cytogenetic location: 4p16.3.
Variant type: single nucleotide variant.
Coding change: c.1208C>T on transcript NM_001122681.2 (MANE Select); coding-DNA position 1208, C replaced by T.
Protein change: p.Pro403Leu; replaces proline 403 with leucine.
Molecular consequence: missense variant.
Genome position (GRCh38, 1-based): chr4:2,830,114, C>T. VCF-style: chr4-2830114-C-T. GRCh37 (hg19) VCF-style: chr4-2831841-C-T.
Other names: c.1292C>T, p.Pro431Leu (NM_001145855.2); c.1379C>T, p.Pro460Leu (NM_001145856.2); c.1208C>T, p.Pro403Leu (NM_003023.4); short protein forms P431L, P403L, P460L.
Identifiers: ClinVar variation 2998785 (VCV002998785.3), dbSNP rs1327801615, ClinGen allele CA356057360.
Genomic context (GRCh38, chr4:2,830,114, plus strand): 5'-CCCGGCCTCCTGCGCTGAAGCTGCCAGTGCCTGAGGCCATGGCGCGGCCCGCAGTCCTGC[C>T]CAGGCCAGAGAAGCCGCAGCTCCCGCACCTCCAGTGAGTTTGTGTGGCGGCTGCAAGCCC-3'
Protein context (NP_001116153.1, residues 393-413): PEAMARPAVL[Pro403Leu]RPEKPQLPHL